The following is an entry in ClinVar:

ClinVar aggregate classification (germline): Benign/Likely benign. Review status: criteria provided, multiple submitters, no conflicts (2 of 4 stars). 5 submissions from 5 submitters: Benign (1); Likely benign (4). Last evaluated 2025-02-04.

Conditions:
Hereditary nonpolyposis colorectal neoplasms. Identifiers: MedGen C0009405, MeSH D003123.
Lynch syndrome 4 (LYNCH4). Also called: Colorectal cancer, hereditary nonpolyposis, type 4; Hereditary non-polyposis colorectal cancer, type 4. Identifiers: Orphanet 144, MedGen C1838333, MONDO:0013699, OMIM 614337. Disease mechanism: loss of function.
Hereditary cancer-predisposing syndrome. Also called: Hereditary neoplastic syndrome; Tumor predisposition; Hereditary Cancer Syndrome; Neoplastic Syndromes, Hereditary. Identifiers: Orphanet 140162, MedGen C0027672, MeSH D009386, MONDO:0015356.

Allele frequency attached by ClinVar (database versions not stated): gnomAD exomes below 0.00001.
gnomAD v4.1: 1 of 1,606,500 alleles (0.000062%); highest among the groups gnomAD compares: Non-Finnish European, 0.000085%; no homozygotes.

Submissions (5):

Myriad Genetics, Inc.
Classification: Benign for Lynch syndrome 4. Last evaluated: 2025-02-04. Review status: criteria provided, single submitter. Criteria: Myriad Autosomal Dominant, Autosomal Recessive and X-Linked Classification Criteria (2023). Collection method: clinical testing. Allele origin: unknown.
Comment: This variant is considered benign. This variant is a silent/synonymous amino acid change and it is not expected to impact splicing.

Labcorp Genetics (formerly Invitae), Labcorp
Classification: Likely benign for Hereditary nonpolyposis colorectal neoplasms. Last evaluated: 2024-10-09. Review status: criteria provided, single submitter. Criteria: Invitae Variant Classification Sherloc (09022015). Collection method: clinical testing. Allele origin: germline.

Color Diagnostics, LLC DBA Color Health
Classification: Likely benign for Hereditary cancer-predisposing syndrome. Last evaluated: 2022-08-09. Review status: criteria provided, single submitter. Criteria: ACMG Guidelines, 2015. Collection method: clinical testing. Allele origin: germline.

Ambry Genetics
Classification: Likely benign for Hereditary cancer-predisposing syndrome. Last evaluated: 2019-04-10. Review status: criteria provided, single submitter. Criteria: Ambry Variant Classification Scheme 2023. Collection method: clinical testing. Allele origin: germline.

GeneDx
Classification: Likely benign. Last evaluated: 2019-02-11. Review status: criteria provided, single submitter. Criteria: GeneDx Variant Classification Process June 2021. Collection method: clinical testing. Allele origin: germline. Affected: yes.

NM_000535.7(PMS2):c.2307C>T (p.Ser769=)

Gene: PMS2 (PMS1 homolog 2, mismatch repair system component; minus strand). Cytogenetic location: 7p22.1.
Variant type: single nucleotide variant.
Coding change: c.2307C>T on transcript NM_000535.7 (MANE Select); coding-DNA position 2307, C replaced by T.
Protein change: p.Ser769=; no amino-acid change (serine 769 retained).
Molecular consequence: synonymous variant.
Genome position (GRCh38, 1-based): chr7:5,977,726, G>A on the plus strand (C>T on the coding strand, the complement: PMS2 is on the minus strand). VCF-style: chr7-5977726-G-A. GRCh37 (hg19) VCF-style: chr7-6017357-G-A.
Other names: c.1902C>T, p.Ser634= (NM_001322003.2, NM_001322004.2, NM_001322005.2); c.2151C>T, p.Ser717= (NM_001322006.2); c.1989C>T, p.Ser663= (NM_001322007.2, NM_001322008.2); c.1935C>T, p.Ser645= (NM_001322009.2); c.1746C>T, p.Ser582= (NM_001322010.2); c.1374C>T, p.Ser458= (NM_001322011.2, NM_001322012.2); c.1734C>T, p.Ser578= (NM_001322013.2); c.2340C>T, p.Ser780= (NM_001322014.2); and 1 more.
Identifiers: ClinVar variation 733240 (VCV000733240.15), dbSNP rs1583281386, ClinGen allele CA453642465.
Genomic context (GRCh38, chr7:5,977,726, plus strand): 5'-CATGAAGATCAGTTCATCGACGTCCTGGGGTCCGAAGGTCCAGTTTTTACTAGTTGGCAA[G>A]GAAATCAGTTTAGCCCTTTCAGTGACTGGAGCTAAAAGAATACAATTTTGAGAAAAATCC-3'
Protein context (NP_000526.2, residues 759-779): APVTERAKLI[Ser769=]LPTSKNWTFG